The following is an entry in ClinVar:

NM_022124.6(CDH23):c.8420G>A (p.Ser2807Asn)

Gene: CDH23 (cadherin related 23; plus strand). Cytogenetic location: 10q22.1.
Variant type: single nucleotide variant.
Coding change: c.8420G>A on transcript NM_022124.6 (MANE Select); coding-DNA position 8420, G replaced by A.
Protein change: p.Ser2807Asn; replaces serine 2807 with asparagine.
Molecular consequence: missense variant.
Genome position (GRCh38, 1-based): chr10:71,807,627, G>A. VCF-style: chr10-71807627-G-A. GRCh37 (hg19) VCF-style: chr10-73567384-G-A.
Other names: c.1700G>A, p.Ser567Asn (NM_001171933.1, NM_001171934.1); short protein forms S2807N, S567N.
Identifiers: ClinVar variation 836038 (VCV000836038.10), dbSNP rs1841772634, ClinGen allele CA377131506.

ClinVar aggregate classification (germline): Uncertain significance (1 of 4 stars; one submission).

Submission:

Labcorp Genetics (formerly Invitae), Labcorp
Classification: Uncertain significance. Last evaluated: 2019-12-16. Review status: criteria provided, single submitter. Criteria: Invitae Variant Classification Sherloc (09022015). Collection method: clinical testing. Allele origin: germline.
Comment: In summary, the available evidence is currently insufficient to determine the role of this variant in disease. Therefore, it has been classified as a Variant of Uncertain Significance. Algorithms developed to predict the effect of missense changes on protein structure and function are either unavailable or do not agree on the potential impact of this missense change (SIFT: "Deleterious"; PolyPhen-2: "Not Available"; Align-GVGD: "Class C0"). This variant has not been reported in the literature in individuals with CDH23-related conditions. This variant is not present in population databases (ExAC no frequency). This sequence change replaces serine with asparagine at codon 2807 of the CDH23 protein (p.Ser2807Asn). The serine residue is highly conserved and there is a small physicochemical difference between serine and asparagine.